The following is an entry in ClinVar:

ClinVar aggregate classification (germline): Pathogenic. Review status: criteria provided, single submitter (1 of 4 stars). 2 submissions from 2 submitters: Pathogenic (1). 1 of the submissions does not count toward it. Last evaluated 2024-11-02.

Conditions:
PRPH2-related disorder. Also called: PRPH2-related disorders; PRPH2-related condition. Identifiers: MedGen CN239395.
Adult-onset foveomacular vitelliform dystrophy. Also called: FOVEOMACULAR DYSTROPHY, ADULT-ONSET; FOVEOMACULAR DYSTROPHY, ADULT-ONSET, WITH OR WITHOUT CHOROIDAL NEOVASCULARIZATION; Adult onset vitelliform dystrophy. Identifiers: Orphanet 99000, MedGen C1842914, MONDO:0011979.

Submissions (2):

Labcorp Genetics (formerly Invitae), Labcorp
Classification: Pathogenic for PRPH2-related disorder. Last evaluated: 2024-11-02. Review status: criteria provided, single submitter. Criteria: Invitae Variant Classification Sherloc (09022015). Collection method: clinical testing. Allele origin: germline.
Comment: This sequence change replaces serine, which is neutral and polar, with arginine, which is basic and polar, at codon 212 of the PRPH2 protein (p.Ser212Arg). This variant is not present in population databases (gnomAD no frequency). A different variant (c.634A>C) giving rise to the same protein effect has been determined to be pathogenic (internal data). This suggests that this variant is also likely to be causative of disease. ClinVar contains an entry for this variant (Variation ID: 438671). Invitae Evidence Modeling of protein sequence and biophysical properties (such as structural, functional, and spatial information, amino acid conservation, physicochemical variation, residue mobility, and thermodynamic stability) indicates that this missense variant is expected to disrupt PRPH2 protein function with a positive predictive value of 95%. This variant disrupts the p.Ser212 amino acid residue in PRPH2. Other variant(s) that disrupt this residue have been determined to be pathogenic (PMID: 1427912, 18050133; internal data). This suggests that this residue is clinically significant, and that variants that disrupt this residue are likely to be disease-causing. For these reasons, this variant has been classified as Pathogenic.

Bioscientia Institut fuer Medizinische Diagnostik GmbH, Sonic Healthcare
Classification: Likely pathogenic for Vitelliform macular dystrophy 3. Last evaluated: 2017-04-20. Review status: no assertion criteria provided. Collection method: clinical testing. Allele origin: germline. Affected: yes. Not counted in ClinVar's aggregate classification.

Literature cited by the submitters: PubMed 1427912 (cited by Labcorp Genetics (formerly Invitae), Labcorp); PubMed 18050133 (cited by Labcorp Genetics (formerly Invitae), Labcorp).

NM_000322.5(PRPH2):c.636C>G (p.Ser212Arg)

Gene: PRPH2 (peripherin 2; minus strand). Cytogenetic location: 6p21.1.
Variant type: single nucleotide variant.
Coding change: c.636C>G on transcript NM_000322.5 (MANE Select); coding-DNA position 636, C replaced by G.
Protein change: p.Ser212Arg; replaces serine 212 with arginine.
Molecular consequence: missense variant.
Genome position (GRCh38, 1-based): chr6:42,704,557, G>C on the plus strand (C>G on the coding strand, the complement: PRPH2 is on the minus strand). VCF-style: chr6-42704557-G-C. GRCh37 (hg19) VCF-style: chr6-42672295-G-C.
Other names: short protein forms S212R.
Identifiers: ClinVar variation 438671 (VCV000438671.5), dbSNP rs1554269071, ClinGen allele CA364135600.